The following is an entry in ClinVar:

ClinVar aggregate classification (germline): Conflicting classifications of pathogenicity. Review status: criteria provided, conflicting classifications (1 of 4 stars). 2 submissions from 2 submitters: Uncertain significance (1); Likely benign (1). Last evaluated 2024-03-30.

Conditions:
Inborn genetic diseases. Identifiers: MedGen C0950123, MeSH D030342.

Submissions (2):

Ambry Genetics
Classification: Likely benign for Inborn genetic diseases. Last evaluated: 2024-03-30. Review status: criteria provided, single submitter. Criteria: Ambry Variant Classification Scheme 2023. Collection method: clinical testing. Allele origin: germline.

Labcorp Genetics (formerly Invitae), Labcorp
Classification: Uncertain significance. Last evaluated: 2022-08-01. Review status: criteria provided, single submitter. Criteria: Invitae Variant Classification Sherloc (09022015). Collection method: clinical testing. Allele origin: germline.
Comment: This sequence change replaces glutamic acid, which is acidic and polar, with lysine, which is basic and polar, at codon 612 of the LRPPRC protein (p.Glu612Lys). This variant is not present in population databases (gnomAD no frequency). This variant has not been reported in the literature in individuals affected with LRPPRC-related conditions. Algorithms developed to predict the effect of missense changes on protein structure and function output the following: SIFT: "Tolerated"; PolyPhen-2: "Benign"; Align-GVGD: "Class C0". The lysine amino acid residue is found in multiple mammalian species, which suggests that this missense change does not adversely affect protein function. In summary, the available evidence is currently insufficient to determine the role of this variant in disease. Therefore, it has been classified as a Variant of Uncertain Significance.

NM_133259.4(LRPPRC):c.1834G>A (p.Glu612Lys)

Gene: LRPPRC (leucine rich pentatricopeptide repeat containing; minus strand). Cytogenetic location: 2p21.
Variant type: single nucleotide variant.
Coding change: c.1834G>A on transcript NM_133259.4 (MANE Select); coding-DNA position 1834, G replaced by A.
Protein change: p.Glu612Lys; replaces glutamic acid 612 with lysine.
Molecular consequence: missense variant.
Genome position (GRCh38, 1-based): chr2:43,948,420, C>T on the plus strand (G>A on the coding strand, the complement: LRPPRC is on the minus strand). VCF-style: chr2-43948420-C-T. GRCh37 (hg19) VCF-style: chr2-44175559-C-T.
Other names: c.1834G>A (NM_133259.3); short protein forms E612K.
Identifiers: ClinVar variation 2151376 (VCV002151376.5), dbSNP rs751140324, ClinGen allele CA346676289.